The following is an entry in ClinVar:

ClinVar aggregate classification (germline): Uncertain significance (1 of 4 stars; one submission).

Conditions:
PCNT-related disorder. Also called: PCNT-related condition.

gnomAD v4.1: 49 of 1,613,758 alleles (0.003%); highest among the groups gnomAD compares: East Asian, 0.0067%; no homozygotes.

Submission:

PreventionGenetics, part of Exact Sciences
Classification: Uncertain significance for PCNT-related condition. Last evaluated: 2026-08-19. Review status: criteria provided, single submitter. Criteria: ACMG Guidelines, 2015. Collection method: clinical testing. Allele origin: germline.
Comment: The PCNT c.3488G>A variant is predicted to result in the amino acid substitution p.Arg1163His. To our knowledge, this variant has not been reported in the literature. This variant is reported in 0.0096% of alleles in individuals of Ashkenazi Jewish descent in gnomAD. At this time, the clinical significance of this variant is uncertain due to the absence of conclusive functional and genetic evidence.

NM_006031.6(PCNT):c.3488G>A (p.Arg1163His)

Gene: PCNT (pericentrin; plus strand). Cytogenetic location: 21q22.3.
Variant type: single nucleotide variant.
Coding change: c.3488G>A on transcript NM_006031.6 (MANE Select); coding-DNA position 3488, G replaced by A.
Protein change: p.Arg1163His; replaces arginine 1163 with histidine.
Molecular consequence: missense variant.
Genome position (GRCh38, 1-based): chr21:46,388,765, G>A. VCF-style: chr21-46388765-G-A. GRCh37 (hg19) VCF-style: chr21-47808680-G-A.
Other names: c.3134G>A, p.Arg1045His (NM_001315529.2); short protein forms R1045H, R1163H.
Identifiers: ClinVar variation 4978528 (VCV004978528.1).